The following is an entry in ClinVar:

NM_016203.4(PRKAG2):c.1676C>A (p.Ala559Glu)

Gene: PRKAG2 (protein kinase AMP-activated non-catalytic subunit gamma 2; minus strand). Cytogenetic location: 7q36.1.
Variant type: single nucleotide variant.
Coding change: c.1676C>A on transcript NM_016203.4 (MANE Select); coding-DNA position 1676, C replaced by A.
Protein change: p.Ala559Glu; replaces alanine 559 with glutamic acid.
Molecular consequence: missense variant.
Genome position (GRCh38, 1-based): chr7:151,560,526, G>T on the plus strand (C>A on the coding strand, the complement: PRKAG2 is on the minus strand). VCF-style: chr7-151560526-G-T. GRCh37 (hg19) VCF-style: chr7-151257612-G-T.
Other names: c.1304C>A, p.Ala435Glu (NM_001363698.2, NM_001407028.1); c.1676C>A, p.Ala559Glu (NM_001407021.1); c.1673C>A, p.Ala558Glu (NM_001407022.1, NM_001407023.1); c.1544C>A, p.Ala515Glu (NM_001407024.1, NM_001040633.2); c.1541C>A, p.Ala514Glu (NM_001407026.1, NM_001407027.1); c.1301C>A, p.Ala434Glu (NM_001407029.1, NM_001304527.2); c.950C>A, p.Ala317Glu (NM_001407040.1, NM_001407036.1, NM_001407039.1); c.953C>A, p.Ala318Glu (NM_024429.2, NM_001304531.2, NM_001407034.1 and 1 more transcripts); and 6 more; short protein forms A334E, A435E, A463E, A514E, A558E, A317E, A318E, A559E.
Identifiers: ClinVar variation 4614757 (VCV004614757.1).

ClinVar aggregate classification (germline): Uncertain significance (1 of 4 stars; one submission).

Conditions:
Cardiovascular phenotype. Identifiers: MedGen CN230736.

Submission:

Ambry Genetics
Classification: Uncertain significance for Cardiovascular phenotype. Last evaluated: 2025-10-05. Review status: criteria provided, single submitter. Criteria: Ambry Variant Classification Scheme 2023. Collection method: clinical testing. Allele origin: germline.
Comment: The p.A559E variant (also known as c.1676C>A), located in coding exon 15 of the PRKAG2 gene, results from a C to A substitution at nucleotide position 1676. The alanine at codon 559 is replaced by glutamic acid, an amino acid with dissimilar properties. This amino acid position is conserved. In addition, the in silico prediction for this alteration is inconclusive. Based on the available evidence, the clinical significance of this variant remains unclear.